The following is an entry in ClinVar:

ClinVar aggregate classification (germline): Likely pathogenic (1 of 4 stars; one submission).

Submission:

GeneDx
Classification: Likely pathogenic. Last evaluated: 2025-02-19. Review status: criteria provided, single submitter. Criteria: GeneDx Variant Classification Process June 2021. Collection method: clinical testing. Allele origin: germline. Affected: yes.
Comment: Not observed at significant frequency in large population cohorts (gnomAD); In silico analysis supports that this missense variant has a deleterious effect on protein structure/function; Has not been previously published as pathogenic or benign to our knowledge; This variant is associated with the following publications: (PMID: 22807134, 25486365)

NM_001042492.3(NF1):c.4373A>T (p.Glu1458Val)

Gene: NF1 (neurofibromin 1; plus strand). Cytogenetic location: 17q11.2.
Variant type: single nucleotide variant.
Coding change: c.4373A>T on transcript NM_001042492.3 (MANE Select); coding-DNA position 4373, A replaced by T.
Protein change: p.Glu1458Val; replaces glutamic acid 1458 with valine.
Molecular consequence: missense variant.
Genome position (GRCh38, 1-based): chr17:31,259,072, A>T. VCF-style: chr17-31259072-A-T. GRCh37 (hg19) VCF-style: chr17-29586090-A-T.
Other names: c.4310A>T, p.Glu1437Val (NM_000267.4); short protein forms E1437V, E1458V.
Identifiers: ClinVar variation 2575671 (VCV002575671.2), dbSNP rs878853894, ClinGen allele CA398998817.